The following is an entry in ClinVar:

ClinVar aggregate classification (germline): Uncertain significance. Review status: criteria provided, multiple submitters, no conflicts (2 of 4 stars). 2 submissions from 2 submitters: Uncertain significance (2). Last evaluated 2022-09-12.

gnomAD v4.1: 11 of 1,537,290 alleles (0.00072%); highest among the groups gnomAD compares: African/African-American, 0.0014%; no homozygotes.

Submissions (2):

GeneDx
Classification: Uncertain significance. Last evaluated: 2022-09-12. Review status: criteria provided, single submitter. Criteria: GeneDx Variant Classification Process June 2021. Collection method: clinical testing. Allele origin: germline. Affected: yes.
Comment: Not observed at significant frequency in large population cohorts (gnomAD); In silico analysis supports that this missense variant has a deleterious effect on protein structure/function; Has not been previously published as pathogenic or benign to our knowledge

Blueprint Genetics
Classification: Uncertain significance. Last evaluated: 2022-08-25. Review status: criteria provided, single submitter. Criteria: ACMG Guidelines, 2015. Collection method: clinical testing. Allele origin: germline.

NM_001378183.1(PIEZO2):c.1171G>C (p.Ala391Pro)

Gene: PIEZO2 (piezo type mechanosensitive ion channel component 2; minus strand). Cytogenetic location: 18p11.22.
Variant type: single nucleotide variant.
Coding change: c.1171G>C on transcript NM_001378183.1 (MANE Select); coding-DNA position 1171, G replaced by C.
Protein change: p.Ala391Pro; replaces alanine 391 with proline.
Molecular consequence: missense variant.
Genome position (GRCh38, 1-based): chr18:10,803,904, C>G on the plus strand (G>C on the coding strand, the complement: PIEZO2 is on the minus strand). VCF-style: chr18-10803904-C-G. GRCh37 (hg19) VCF-style: chr18-10803902-C-G.
Other names: c.1171G>C, p.Ala391Pro (NM_001410871.1, NM_022068.4); short protein forms A391P.
Identifiers: ClinVar variation 2443673 (VCV002443673.2), dbSNP rs749474073, ClinGen allele CA401925660.